The following is an entry in ClinVar:

ClinVar aggregate classification (germline): Pathogenic (1 of 4 stars; one submission).

Submission:

Labcorp Genetics (formerly Invitae), Labcorp
Classification: Pathogenic. Last evaluated: 2023-04-05. Review status: criteria provided, single submitter. Criteria: Invitae Variant Classification Sherloc (09022015). Collection method: clinical testing. Allele origin: germline.
Comment: For these reasons, this variant has been classified as Pathogenic. This variant has not been reported in the literature in individuals affected with ATP2B2-related conditions. This variant is not present in population databases (gnomAD no frequency). This sequence change creates a premature translational stop signal (p.Lys330*) in the ATP2B2 gene. It is expected to result in an absent or disrupted protein product. Loss-of-function variants in ATP2B2 are known to be pathogenic (PMID: 30535804).

Literature cited by the submitters: PubMed 30535804.

NM_001001331.4(ATP2B2):c.1123A>T (p.Lys375Ter)

Gene: ATP2B2 (ATPase plasma membrane Ca2+ transporting 2; minus strand). Cytogenetic location: 3p25.3.
Variant type: single nucleotide variant.
Coding change: c.1123A>T on transcript NM_001001331.4 (MANE Select); coding-DNA position 1123, A replaced by T.
Protein change: p.Lys375Ter; replaces lysine 375 with a stop codon.
Molecular consequence: nonsense.
Genome position (GRCh38, 1-based): chr3:10,378,330, T>A on the plus strand (A>T on the coding strand, the complement: ATP2B2 is on the minus strand). VCF-style: chr3-10378330-T-A. GRCh37 (hg19) VCF-style: chr3-10420014-T-A.
Other names: c.988A>T, p.Lys330Ter (NM_001330611.3, NM_001353564.1, NM_001363862.1 and 1 more transcripts); short protein forms K330*, K375*.
Identifiers: ClinVar variation 2836858 (VCV002836858.3), dbSNP rs2470442713, ClinGen allele CA351785141.